The following is an entry in ClinVar:

NM_000535.7(PMS2):c.386C>A (p.Ala129Glu)

Gene: PMS2 (PMS1 homolog 2, mismatch repair system component; minus strand). Cytogenetic location: 7p22.1.
Variant type: single nucleotide variant.
Coding change: c.386C>A on transcript NM_000535.7 (MANE Select); coding-DNA position 386, C replaced by A.
Protein change: p.Ala129Glu; replaces alanine 129 with glutamic acid.
Molecular consequence: missense variant. On other transcripts: 5 prime UTR variant (8), non-coding transcript variant (1).
Genome position (GRCh38, 1-based): chr7:6,002,604, G>T on the plus strand (C>A on the coding strand, the complement: PMS2 is on the minus strand). VCF-style: chr7-6002604-G-T. GRCh37 (hg19) VCF-style: chr7-6042235-G-T.
Other names: c.-20C>A (NM_001018040.1, NM_001322003.2, NM_001322004.2 and 25 more transcripts); c.386C>A, p.Ala129Glu (NM_001322006.2, NM_001322014.2, NM_001406869.1 and 8 more transcripts); c.68C>A, p.Ala23Glu (NM_001322007.2, NM_001322008.2, NM_001406876.1 and 4 more transcripts); c.-499C>A (NM_001322011.2, NM_001322012.2); c.77C>A, p.Ala26Glu (NM_001322015.2, NM_001406875.1, NM_001406877.1 and 6 more transcripts); c.572C>A, p.Ala191Glu (NM_001406866.1); c.410C>A, p.Ala137Glu (NM_001406868.1); short protein forms A129E, A191E, A23E, A137E, A26E.
Identifiers: ClinVar variation 1735670 (VCV001735670.2), dbSNP rs752284380, ClinGen allele CA366744453.

ClinVar aggregate classification (germline): Uncertain significance (1 of 4 stars; one submission).

Conditions:
Hereditary cancer-predisposing syndrome. Also called: Neoplastic Syndromes, Hereditary; Tumor predisposition; Hereditary Cancer Syndrome; Hereditary neoplastic syndrome. Identifiers: Orphanet 140162, MedGen C0027672, MeSH D009386, MONDO:0015356.

Submission:

Ambry Genetics
Classification: Uncertain significance for Hereditary cancer-predisposing syndrome. Last evaluated: 2021-02-09. Review status: criteria provided, single submitter. Criteria: Ambry Variant Classification Scheme 2023. Collection method: clinical testing. Allele origin: germline.
Comment: The p.A129E variant (also known as c.386C>A), located in coding exon 5 of the PMS2 gene, results from a C to A substitution at nucleotide position 386. The alanine at codon 129 is replaced by glutamic acid, an amino acid with dissimilar properties. This amino acid position is not well conserved in available vertebrate species. In addition, this alteration is predicted to be tolerated by in silico analysis. Since supporting evidence is limited at this time, the clinical significance of this alteration remains unclear.